The following is an entry in ClinVar:

ClinVar aggregate classification (germline): Likely pathogenic (1 of 4 stars; one submission).

Conditions:
Immunodeficiency 35 (IMD35). Also called: HIES WITH ATYPICAL MYCOBACTERIOSIS, AUTOSOMAL RECESSIVE; HYPER-IgE SYNDROME WITH ATYPICAL MYCOBACTERIOSIS, AUTOSOMAL RECESSIVE; Susceptibility to infection due to TYK2 deficiency; TYK2 DEFICIENCY. Identifiers: Orphanet 331226, MedGen C1969086, MONDO:0012682, OMIM 611521.

Allele frequency attached by ClinVar (database versions not stated): ExAC 0.00001.

Submission:

Labcorp Genetics (formerly Invitae), Labcorp
Classification: Likely pathogenic for Immunodeficiency 35. Last evaluated: 2022-07-19. Review status: criteria provided, single submitter. Criteria: Invitae Variant Classification Sherloc (09022015). Collection method: clinical testing. Allele origin: germline.
Comment: This sequence change affects a donor splice site in intron 12 of the TYK2 gene. It is expected to disrupt RNA splicing. Variants that disrupt the donor or acceptor splice site typically lead to a loss of protein function (PMID: 16199547), and loss-of-function variants in TYK2 are known to be pathogenic (PMID: 22402565, 26304966). This variant is present in population databases (rs777488795, gnomAD 0.0009%). In summary, the currently available evidence indicates that the variant is pathogenic, but additional data are needed to prove that conclusively. Therefore, this variant has been classified as Likely Pathogenic. Algorithms developed to predict the effect of sequence changes on RNA splicing suggest that this variant may disrupt the consensus splice site. ClinVar contains an entry for this variant (Variation ID: 1514893). This variant has not been reported in the literature in individuals affected with TYK2-related conditions.

Literature cited by the submitters: PubMed 16199547; PubMed 22402565; PubMed 26304966.

NM_003331.5(TYK2):c.1773+1G>T

Gene: TYK2 (tyrosine kinase 2; minus strand). Cytogenetic location: 19p13.2.
Variant type: single nucleotide variant.
Coding change: c.1773+1G>T on transcript NM_003331.5 (MANE Select); the canonical splice donor site of the intron after coding-DNA position 1773, G replaced by T.
Molecular consequence: splice donor variant.
Genome position (GRCh38, 1-based): chr19:10,362,077, C>A on the plus strand (G>T on the coding strand, the complement: TYK2 is on the minus strand). VCF-style: chr19-10362077-C-A. GRCh37 (hg19) VCF-style: chr19-10472753-C-A.
Other names: c.1773+1G>T (NM_001385199.1, NM_001406461.1, NM_001385207.1 and 6 more transcripts); c.1683+1G>T (NM_001385205.1); c.1575+1G>T (NM_001385201.1); c.1647+1G>T (NM_001385206.1).
Identifiers: ClinVar variation 1514893 (VCV001514893.8), dbSNP rs777488795, ClinGen allele CA9193311.